The following is an entry in ClinVar:

ClinVar aggregate classification (germline): Uncertain significance. Review status: criteria provided, multiple submitters, no conflicts (2 of 4 stars). 2 submissions from 2 submitters: Uncertain significance (2). Last evaluated 2025-10-18.

Conditions:
Multiple gastrointestinal atresias. Also called: Multiple intestinal atresia; FAMILIAL INTESTINAL POLYATRESIA SYNDROME. Identifiers: Orphanet 2300, MedGen C0220744, MONDO:0009465.
Inborn genetic diseases. Identifiers: MedGen C0950123, MeSH D030342.

Allele frequency attached by ClinVar (database versions not stated): TOPMed 0.00013; ESP Exome Variant Server 0.00015; gnomAD 0.00009; ExAC 0.00003; gnomAD exomes 0.00006.
gnomAD v4.1: 290 of 1,613,942 alleles (0.018%); highest among the groups gnomAD compares: Non-Finnish European, 0.023%; no homozygotes.

Submissions (2):

Ambry Genetics
Classification: Uncertain significance for Inborn genetic diseases. Last evaluated: 2025-10-18. Review status: criteria provided, single submitter. Criteria: Ambry Variant Classification Scheme 2023. Collection method: clinical testing. Allele origin: germline.

Labcorp Genetics (formerly Invitae), Labcorp
Classification: Uncertain significance for Multiple gastrointestinal atresias. Last evaluated: 2022-10-08. Review status: criteria provided, single submitter. Criteria: Invitae Variant Classification Sherloc (09022015). Collection method: clinical testing. Allele origin: germline.
Comment: This sequence change replaces proline, which is neutral and non-polar, with arginine, which is basic and polar, at codon 742 of the TTC7A protein (p.Pro742Arg). This variant is present in population databases (rs143675924, gnomAD 0.01%). This variant has not been reported in the literature in individuals affected with TTC7A-related conditions. ClinVar contains an entry for this variant (Variation ID: 842896). Advanced modeling of protein sequence and biophysical properties (such as structural, functional, and spatial information, amino acid conservation, physicochemical variation, residue mobility, and thermodynamic stability) performed at Invitae indicates that this missense variant is expected to disrupt TTC7A protein function. In summary, the available evidence is currently insufficient to determine the role of this variant in disease. Therefore, it has been classified as a Variant of Uncertain Significance.

NM_020458.4(TTC7A):c.2225C>G (p.Pro742Arg)

Gene: TTC7A (tetratricopeptide repeat domain 7A; plus strand). Cytogenetic location: 2p21.
Variant type: single nucleotide variant.
Coding change: c.2225C>G on transcript NM_020458.4 (MANE Select); coding-DNA position 2225, C replaced by G.
Protein change: p.Pro742Arg; replaces proline 742 with arginine.
Molecular consequence: missense variant.
Genome position (GRCh38, 1-based): chr2:47,060,841, C>G. VCF-style: chr2-47060841-C-G. GRCh37 (hg19) VCF-style: chr2-47287980-C-G.
Other names: c.2225C>G (NM_020458.2); c.2297C>G, p.Pro766Arg (NM_001288951.2); c.2123C>G, p.Pro708Arg (NM_001288953.2); c.1163C>G, p.Pro388Arg (NM_001288955.2); short protein forms P388R, P766R, P708R, P742R.
Identifiers: ClinVar variation 842896 (VCV000842896.8), dbSNP rs143675924, ClinGen allele CA1648070.